The following is an entry in ClinVar:

NM_005632.3(CAPN15):c.2904+4_2904+5dup

Gene: CAPN15 (calpain 15; plus strand). Cytogenetic location: 16p13.3.
Variant type: Duplication.
Coding change: c.2904+4_2904+5dup on transcript NM_005632.3 (MANE Select); bases 4 to 5 of the intron after coding-DNA position 2904, 2 bases duplicated (GG; older notation c.2904+4_2904+5dupGG).
Molecular consequence: intron variant.
Genome position (GRCh38, 1-based): chr16:552,775-552,776, GG duplicated; duplicating any 2 consecutive bases within chr16:552,774-552,776 gives the same sequence; the c. name uses the placement nearest the transcript's 3' end. VCF-style (leftmost placement, unchanged base first): chr16-552773-T-TGG. GRCh37 (hg19) VCF-style: chr16-602773-T-TGG.
Identifiers: ClinVar variation 4819698 (VCV004819698.1).

ClinVar aggregate classification (germline): VUS-low (1 of 4 stars; one submission).

Conditions:
Oculogastrointestinal-neurodevelopmental syndrome. Identifiers: Orphanet 611201, MedGen C5543355, MONDO:0036189, OMIM 619318.

Submission:

Center for Human Genetics and Genomic Medicine, Uniklinik Rwth Aachen
Classification: VUS-low for Oculogastrointestinal-neurodevelopmental syndrome. Last evaluated: 2026-03-27. Review status: criteria provided, single submitter. Criteria: ACMG Guidelines, 2015. Collection method: clinical testing. Allele origin: germline. Affected: yes.
Comment: No Effect on consensus splice site, Low ADA score and no effect according to spliceAI